The following is an entry in ClinVar:

ClinVar aggregate classification (germline): Uncertain significance (1 of 4 stars; one submission).

gnomAD v4.1: 1 of 1,611,986 alleles (0.000062%); highest among the groups gnomAD compares: South Asian, 0.0011%; no homozygotes.

Submission:

GeneDx
Classification: Uncertain significance. Last evaluated: 2024-07-05. Review status: criteria provided, single submitter. Criteria: GeneDx Variant Classification Process June 2021. Collection method: clinical testing. Allele origin: germline. Affected: yes.
Comment: Not observed at significant frequency in large population cohorts (gnomAD); In silico analysis supports a deleterious effect on splicing; Has not been previously published as pathogenic or benign to our knowledge

NM_000414.4(HSD17B4):c.740-3C>G

Gene: HSD17B4 (hydroxysteroid 17-beta dehydrogenase 4; plus strand). Cytogenetic location: 5q23.1.
Variant type: single nucleotide variant.
Coding change: c.740-3C>G on transcript NM_000414.4 (MANE Select); 3 bases into the intron before coding-DNA position 740, C replaced by G.
Molecular consequence: intron variant. On other transcripts: non-coding transcript variant (1).
Genome position (GRCh38, 1-based): chr5:119,493,815, C>G. VCF-style: chr5-119493815-C-G. GRCh37 (hg19) VCF-style: chr5-118829510-C-G.
Other names: c.329-3C>G (NM_001374503.1, NM_001374502.1, NM_001374501.1); c.815-3C>G (NM_001199291.3); c.413-3C>G (NM_001374499.1); c.299-3C>G (NM_001374500.1); c.320-3C>G (NM_001292028.2); c.668-3C>G (NM_001292027.2); c.740-3C>G (NM_001374498.1); c.731-3C>G (NM_001374497.1); and 1 more.
Identifiers: ClinVar variation 3393750 (VCV003393750.1).